The following is an entry in ClinVar:

ClinVar aggregate classification (germline): Pathogenic. Review status: criteria provided, multiple submitters, no conflicts (2 of 4 stars). 10 submissions from 9 submitters: Pathogenic (7). 3 of the submissions do not count toward it. Last evaluated 2025-12-29.

Conditions:
Cardiovascular phenotype. Identifiers: MedGen CN230736.
Familial long QT syndrome (RWS). Also called: Congenital long QT syndrome; Romano-Ward syndrome; VENTRICULAR FIBRILLATION WITH PROLONGED QT INTERVAL. Identifiers: Orphanet 768, MedGen C1141890, MONDO:0019171.
Atrial fibrillation, familial, 3 (ATFB3). Identifiers: MedGen C1837014, MONDO:0011857, OMIM 607554.
Long QT syndrome 1 (LQT1). Identifiers: Orphanet 101016, Orphanet 768, MedGen C4551647, MONDO:0100316, OMIM 192500, MONDO:0008646.
Beckwith-Wiedemann syndrome (BWS). Also called: Exomphalos macroglossia gigantism syndrome; EMG SYNDROME. Identifiers: Orphanet 116, MedGen C0004903, MONDO:0007534, OMIM 130650.
Jervell and Lange-Nielsen syndrome 1 (JLNS1). Also called: CARDIOAUDITORY SYNDROME OF JERVELL AND LANGE-NIELSEN; DEAFNESS, CONGENITAL, AND FUNCTIONAL HEART DISEASE; PROLONGED QT INTERVAL IN EKG AND SUDDEN DEATH; SURDO-CARDIAC SYNDROME. Identifiers: Orphanet 768, Orphanet 90647, MedGen C4551509, MONDO:0024540, OMIM 220400.
Short QT syndrome type 2. Identifiers: Orphanet 51083, MedGen C1865019, MONDO:0012313, OMIM 609621.
Long QT syndrome (LQTS). Identifiers: MedGen C0023976, MeSH D008133, MONDO:0002442. Disease mechanism: loss of function. Inheritance: Various modes of inheritance.

Allele frequency attached by ClinVar (database versions not stated): TOPMed 0.00001; gnomAD 0.00003.
gnomAD v4.1: 3 of 1,612,354 alleles (0.00019%); highest among the groups gnomAD compares: Non-Finnish European, 0.00017%; no homozygotes.

Submissions (10):

Labcorp Genetics (formerly Invitae), Labcorp
Classification: Pathogenic for Long QT syndrome. Last evaluated: 2025-12-29. Review status: criteria provided, single submitter. Criteria: Invitae Variant Classification Sherloc (09022015). Collection method: clinical testing. Allele origin: germline.
Comment: This sequence change replaces arginine, which is basic and polar, with histidine, which is basic and polar, at codon 231 of the KCNQ1 protein (p.Arg231His). This variant is present in population databases (rs199472709, gnomAD 0.3%). This missense change has been observed in individual(s) with long QT syndrome (PMID: 16414944, 23350853, 24861447). It has also been observed to segregate with disease in related individuals. ClinVar contains an entry for this variant (Variation ID: 53087). Invitae Evidence Modeling of protein sequence and biophysical properties (such as structural, functional, and spatial information, amino acid conservation, physicochemical variation, residue mobility, and thermodynamic stability) indicates that this missense variant is expected to disrupt KCNQ1 protein function with a positive predictive value of 95%. Experimental studies have shown that this missense change affects KCNQ1 function (PMID: 23350853). This variant disrupts the p.Arg231 amino acid residue in KCNQ1. Other variant(s) that disrupt this residue have been determined to be pathogenic (PMID: 15176425, 20850564, 22509038). This suggests that this residue is clinically significant, and that variants that disrupt this residue are likely to be disease-causing. For these reasons, this variant has been classified as Pathogenic.

Ambry Genetics
Classification: Pathogenic for Cardiovascular phenotype. Last evaluated: 2025-06-17. Review status: criteria provided, single submitter. Criteria: Ambry Variant Classification Scheme 2023. Collection method: clinical testing. Allele origin: germline.
Comment: The p.R231H pathogenic mutation (also known as c.692G>A), located in coding exon 5 of the KCNQ1 gene, results from a G to A substitution at nucleotide position 692. The arginine at codon 231 is replaced by histidine, an amino acid with highly similar properties. This variant was identified in one or more individuals with features consistent with atrial fibrillation and/or prolonged QTc and segregated with disease in at least one family (Johnson JN et al. Heart Rhythm, 2008 May;5:704-9; Bartos DC et al. J Cardiovasc Electrophysiol, 2013 May;24:562-9; Napolitano C et al. JAMA, 2005 Dec;294:2975-80; Guerrier K et al. Heart Rhythm, 2013 Sep;10:1351-3; Goodyer WR et al. Circ Genom Precis Med, 2019 11;12:e002713). In assays testing KCNQ1 function, this variant showed functionally abnormal results (Bartos DC et al. J Cardiovasc Electrophysiol, 2013 May;24:562-9; Huang H et al. J Biol Chem, 2021 Feb;:100423). This amino acid position is highly conserved in available vertebrate species. In addition, this alteration is predicted to be deleterious by in silico analysis. Based on the supporting evidence, this variant is interpreted as a disease-causing mutation.

GeneDx
Classification: Pathogenic. Last evaluated: 2025-03-14. Review status: criteria provided, single submitter. Criteria: GeneDx Variant Classification Process June 2021. Collection method: clinical testing. Allele origin: germline. Affected: yes.
Comment: Identified in several patients with LQTS and/or atrial fibrillation in published literature (PMID: 16414944, 18452873, 19716085, 23350853, 24861447, 31638414); Not observed at significant frequency in large population cohorts (gnomAD); Published functional studies demonstrate a gain of function evidenced by increased channel current and loss of voltage-dependent gating (PMID: 23350853); In silico analysis supports that this missense variant has a deleterious effect on protein structure/function; This variant is associated with the following publications: (PMID: 19716085, 23851063, 24861447, 23350853, 18452873, 24721657, 24096004, 16414944, 34426522, Rida2023[article], Tamargo2017[article], 33600800, 31638414, 34750360)

Revvity Omics, Revvity
Classification: Pathogenic. Last evaluated: 2023-09-05. Review status: criteria provided, single submitter. Criteria: ACMG Guidelines, 2015. Collection method: clinical testing. Allele origin: germline.

3billion
Classification: Pathogenic for Atrial fibrillation, familial, 3. Last evaluated: 2022-05-22. Review status: criteria provided, single submitter. Criteria: ACMG Guidelines, 2015. Collection method: clinical testing. Allele origin: germline. Affected: yes. Observed: 1 heterozygote.
Comment: The variant is not observed in the gnomAD v2.1.1 dataset. Missense changes are a common disease-causing mechanism. In silico tool predictions suggest damaging effect of the variant on gene or gene product (REVEL: 0.96; 3Cnet: 1.00). Same nucleotide change resulting in same amino acid change has been previously reported as pathogenic/likely pathogenic with strong evidence (ClinVar ID: VCV000053087). Different missense changes at the same codon (p.Arg231Cys, p.Arg231Leu, p.Arg231Ser) have been reported as pathogenic/likely pathogenic with strong evidence (ClinVar ID: VCV000053086, VCV000280173, VCV000519257). Therefore, this variant is classified as pathogenic according to the recommendation of ACMG/AMP guideline.

Fulgent Genetics
Classification: Pathogenic for Beckwith-Wiedemann syndrome; Long QT syndrome 1; Jervell and Lange-Nielsen syndrome 1; Atrial fibrillation, familial, 3; Short QT syndrome type 2. Last evaluated: 2018-10-31. Review status: criteria provided, single submitter. Criteria: ACMG Guidelines, 2015. Collection method: clinical testing. Allele origin: unknown.

Stanford Center for Inherited Cardiovascular Disease, Stanford University
Classification: Pathogenic. Last evaluated: 2017-04-06. Review status: criteria provided, single submitter. Criteria: ACMG Guidelines, 2015. Collection method: provider interpretation. Allele origin: germline.

OMIM
Classification: Pathogenic for ATRIAL FIBRILLATION, FAMILIAL, 3. Last evaluated: 2013-09-01. Review status: no assertion criteria provided. Collection method: literature only. Allele origin: germline. Not counted in ClinVar's aggregate classification.

OMIM
Classification: Pathogenic for LONG QT SYNDROME 1. Last evaluated: 2013-09-01. Review status: no assertion criteria provided. Collection method: literature only. Allele origin: germline. Not counted in ClinVar's aggregate classification.

Cardiovascular Biomedical Research Unit, Royal Brompton & Harefield NHS Foundation Trust
No classification provided. Condition: Familial long QT syndrome. Review status: no classification provided. Collection method: literature only. Allele origin: germline. Not counted in ClinVar's aggregate classification.
Comment: This variant has been reported as associated with Long QT syndrome in the following publications (PMID:16414944;PMID:19716085). This is a literature report, and does not necessarily reflect the clinical interpretation of the Imperial College / Royal Brompton Cardiovascular Genetics laboratory.

Literature cited by the submitters: PubMed 16414944 (cited by 4 submitters); PubMed 23350853 (cited by 3 submitters); PubMed 24861447 (cited by Labcorp Genetics (formerly Invitae), Labcorp); PubMed 15176425 (cited by Labcorp Genetics (formerly Invitae), Labcorp); PubMed 20850564 (cited by Labcorp Genetics (formerly Invitae), Labcorp); PubMed 22509038 (cited by Labcorp Genetics (formerly Invitae), Labcorp); PubMed 18452873 (cited by Ambry Genetics and OMIM); PubMed 23851063 (cited by Ambry Genetics and OMIM); PubMed 30935642 (cited by Ambry Genetics); PubMed 31638414 (cited by Ambry Genetics); PubMed 33600800 (cited by Ambry Genetics); PubMed 19716085 (cited by Cardiovascular Biomedical Research Unit, Royal Brompton & Harefield NHS Foundation Trust); PubMed 22581653 (cited by Cardiovascular Biomedical Research Unit, Royal Brompton & Harefield NHS Foundation Trust).

NM_000218.3(KCNQ1):c.692G>A (p.Arg231His)

Gene: KCNQ1 (potassium voltage-gated channel subfamily Q member 1; plus strand). Cytogenetic location: 11p15.5.
Variant type: single nucleotide variant.
Coding change: c.692G>A on transcript NM_000218.3 (MANE Select); coding-DNA position 692, G replaced by A.
Protein change: p.Arg231His; replaces arginine 231 with histidine.
Molecular consequence: missense variant.
Genome position (GRCh38, 1-based): chr11:2,572,021, G>A. VCF-style: chr11-2572021-G-A. GRCh37 (hg19) VCF-style: chr11-2593251-G-A.
Other names: p.R231H:CGC>CAC; c.692G>A (LRG_287t1); c.692G>A, p.Arg231His (NM_001406836.1); c.422G>A, p.Arg141His (NM_001406837.1); c.311G>A, p.Arg104His (NM_181798.2); short protein forms R231H, R104H, R141H.
Identifiers: ClinVar variation 53087 (VCV000053087.24), dbSNP rs199472709, ClinGen allele CA007925.